The following is an entry in ClinVar:

ClinVar aggregate classification (germline): Uncertain significance (1 of 4 stars; one submission).

Allele frequency attached by ClinVar (database versions not stated): TOPMed below 0.00001; gnomAD exomes 0.00001; ExAC 0.00002; gnomAD 0.00002; 1000 Genomes Project 30x 0.00016; 1000 Genomes Project 0.00020.
gnomAD v4.1: 17 of 1,613,770 alleles (0.0011%); highest among the groups gnomAD compares: South Asian, 0.018%; no homozygotes.

Submission:

Labcorp Genetics (formerly Invitae), Labcorp
Classification: Uncertain significance. Last evaluated: 2022-09-19. Review status: criteria provided, single submitter. Criteria: Invitae Variant Classification Sherloc (09022015). Collection method: clinical testing. Allele origin: germline.
Comment: In summary, the available evidence is currently insufficient to determine the role of this variant in disease. Therefore, it has been classified as a Variant of Uncertain Significance. Advanced modeling of protein sequence and biophysical properties (such as structural, functional, and spatial information, amino acid conservation, physicochemical variation, residue mobility, and thermodynamic stability) performed at Invitae indicates that this missense variant is not expected to disrupt DNAH9 protein function. This variant has not been reported in the literature in individuals affected with DNAH9-related conditions. This variant is present in population databases (rs572814446, gnomAD 0.01%). This sequence change replaces glutamine, which is neutral and polar, with histidine, which is basic and polar, at codon 1709 of the DNAH9 protein (p.Gln1709His).

NM_001372.4(DNAH9):c.5127G>C (p.Gln1709His)

Gene: DNAH9 (dynein axonemal heavy chain 9; plus strand). Cytogenetic location: 17p12.
Variant type: single nucleotide variant.
Coding change: c.5127G>C on transcript NM_001372.4 (MANE Select); coding-DNA position 5127, G replaced by C.
Protein change: p.Gln1709His; replaces glutamine 1709 with histidine.
Molecular consequence: missense variant.
Genome position (GRCh38, 1-based): chr17:11,701,223, G>C. VCF-style: chr17-11701223-G-C. GRCh37 (hg19) VCF-style: chr17-11604540-G-C.
Other names: short protein forms Q1709H.
Identifiers: ClinVar variation 1922312 (VCV001922312.5), dbSNP rs572814446, ClinGen allele CA8395913.